The following is an entry in ClinVar:

ClinVar aggregate classification (germline): Uncertain significance. Review status: criteria provided, multiple submitters, no conflicts (2 of 4 stars). 3 submissions from 3 submitters: Uncertain significance (3). Last evaluated 2024-05-31.

Conditions:
Vitamin D-dependent rickets, type 1A. Also called: VITAMIN D HYDROXYLATION-DEFICIENT RICKETS, TYPE 1A; PDDR IA; PSEUDOVITAMIN D-DEFICIENCY RICKETS, TYPE IA. Identifiers: MedGen CN283242, MONDO:0020723, OMIM 264700.

Allele frequency attached by ClinVar (database versions not stated): gnomAD 0.00003; ExAC 0.00012.

Submissions (3):

Fulgent Genetics
Classification: Uncertain significance for Vitamin D-dependent rickets, type 1A. Last evaluated: 2024-05-31. Review status: criteria provided, single submitter. Criteria: ACMG Guidelines, 2015. Collection method: clinical testing. Allele origin: germline.

Intergen Genetics and Rare Diseases Diagnosis Center
Classification: Uncertain significance for Vitamin D-dependent rickets, type 1A. Last evaluated: 2023-10-10. Review status: criteria provided, single submitter. Criteria: ACMG Guidelines, 2015. Collection method: clinical testing. Allele origin: germline. Inheritance: Autosomal recessive inheritance. Affected: no. Observed: 1 heterozygote.

Labcorp Genetics (formerly Invitae), Labcorp
Classification: Uncertain significance. Last evaluated: 2022-08-02. Review status: criteria provided, single submitter. Criteria: Invitae Variant Classification Sherloc (09022015). Collection method: clinical testing. Allele origin: germline.
Comment: This sequence change replaces lysine, which is basic and polar, with methionine, which is neutral and non-polar, at codon 55 of the CYP27B1 protein (p.Lys55Met). This variant is present in population databases (rs762682469, gnomAD 0.2%). This variant has not been reported in the literature in individuals affected with CYP27B1-related conditions. ClinVar contains an entry for this variant (Variation ID: 1467327). Algorithms developed to predict the effect of missense changes on protein structure and function are either unavailable or do not agree on the potential impact of this missense change (SIFT: "Deleterious"; PolyPhen-2: "Probably Damaging"; Align-GVGD: "Class C0"). In summary, the available evidence is currently insufficient to determine the role of this variant in disease. Therefore, it has been classified as a Variant of Uncertain Significance.

NM_000785.4(CYP27B1):c.164A>T (p.Lys55Met)

Gene: CYP27B1 (cytochrome P450 family 27 subfamily B member 1; minus strand). Cytogenetic location: 12q14.1.
Variant type: single nucleotide variant.
Coding change: c.164A>T on transcript NM_000785.4 (MANE Select); coding-DNA position 164, A replaced by T.
Protein change: p.Lys55Met; replaces lysine 55 with methionine.
Molecular consequence: missense variant.
Genome position (GRCh38, 1-based): chr12:57,766,878, T>A on the plus strand (A>T on the coding strand, the complement: CYP27B1 is on the minus strand). VCF-style: chr12-57766878-T-A. GRCh37 (hg19) VCF-style: chr12-58160661-T-A.
Other names: short protein forms K55M.
Identifiers: ClinVar variation 1467327 (VCV001467327.6), dbSNP rs762682469, ClinGen allele CA6658530.